The following is an entry in ClinVar:

ClinVar aggregate classification (germline): Uncertain significance. Review status: criteria provided, multiple submitters, no conflicts (2 of 4 stars). 2 submissions from 2 submitters: Uncertain significance (2). Last evaluated 2025-03-08.

Conditions:
Neuropathy, hereditary sensory, type 1F. Also called: Hereditary sensory neuropathy type IF; HSN IF. Identifiers: Orphanet 36386, MedGen C3810194, MONDO:0014286, OMIM 615632.

Allele frequency attached by ClinVar (database versions not stated): gnomAD 0.00005 and 0.00004; gnomAD exomes 0.00003; ExAC 0.00006; ESP Exome Variant Server 0.00025; 1000 Genomes Project 30x 0.00031; TOPMed 0.00003.

Submissions (2):

GeneDx
Classification: Uncertain significance. Last evaluated: 2025-03-08. Review status: criteria provided, single submitter. Criteria: GeneDx Variant Classification Process June 2021. Collection method: clinical testing. Allele origin: germline. Affected: yes.
Comment: Has not been previously published as pathogenic or benign to our knowledge; Initiation codon variant in a gene for which loss-of-function is not an established mechanism of disease

Labcorp Genetics (formerly Invitae), Labcorp
Classification: Uncertain significance for Neuropathy, hereditary sensory, type 1F. Last evaluated: 2024-11-21. Review status: criteria provided, single submitter. Criteria: Invitae Variant Classification Sherloc (09022015). Collection method: clinical testing. Allele origin: germline.
Comment: This sequence change affects the initiator methionine of the ATL3 mRNA. The next in-frame methionine is located at codon 19. The frequency data for this variant in the population databases is considered unreliable, as metrics indicate poor data quality at this position in the gnomAD database. This variant has not been reported in the literature in individuals affected with ATL3-related conditions. ClinVar contains an entry for this variant (Variation ID: 577140). In summary, the available evidence is currently insufficient to determine the role of this variant in disease. Therefore, it has been classified as a Variant of Uncertain Significance.

NM_015459.5(ATL3):c.2T>C (p.Met1Thr)

Gene: ATL3 (atlastin GTPase 3; minus strand). Cytogenetic location: 11q13.1.
Variant type: single nucleotide variant.
Coding change: c.2T>C on transcript NM_015459.5 (MANE Select); coding-DNA position 2, T replaced by C.
Protein change: p.Met1Thr; changes the start codon (methionine 1).
Molecular consequence: missense variant, initiator codon variant. On other transcripts: intron variant (1).
Genome position (GRCh38, 1-based): chr11:63,671,334, A>G on the plus strand (T>C on the coding strand, the complement: ATL3 is on the minus strand). VCF-style: chr11-63671334-A-G. GRCh37 (hg19) VCF-style: chr11-63438806-A-G.
Other names: c.-9+302T>C (NM_001290048.2); short protein forms M1T.
Identifiers: ClinVar variation 577140 (VCV000577140.10), dbSNP rs200857990, ClinGen allele CA6063913.